The following is an entry in ClinVar:

ClinVar aggregate classification (germline): Pathogenic (1 of 4 stars; one submission).

Conditions:
Joubert syndrome and related disorders. Identifiers: Orphanet 140874, MedGen C5679612, MONDO:0015369.

Submission:

Myriad Genetics, Inc.
Classification: Pathogenic for Joubert syndrome and related disorders. Last evaluated: 2024-08-20. Review status: criteria provided, single submitter. Criteria: Myriad Autosomal Dominant, Autosomal Recessive and X-Linked Classification Criteria (2023). Collection method: clinical testing. Allele origin: unknown.
Comment: NM_001080522.2(CC2D2A):c.2724delC(K909Nfs*46) is expected to be pathogenic in the context of CC2D2A-related disorders. This variant is predicted to lead to an abnormal or absent protein product due to the creation of a premature termination codon in CC2D2A, a gene where loss-of-function variants are known to be pathogenic. Please note: this variant was assessed in the context of healthy population screening.

NM_001378615.1(CC2D2A):c.2724del (p.Lys909fs)

Genes: CC2D2A (coiled-coil and C2 domain containing 2A; plus strand), FBXL5 (F-box and leucine rich repeat protein 5; minus strand). Cytogenetic location: 4p15.32.
Variant type: Deletion.
Coding change: c.2724del on transcript NM_001378615.1 (MANE Select); coding-DNA position 2724, one base deleted (C; older notation c.2724delC).
Protein change: p.Lys909fs; shifts the reading frame from lysine 909.
Molecular consequence: frameshift variant.
Genome position (GRCh38, 1-based): chr4:15,557,402, C deleted; the last of 2 consecutive C bases (chr4:15,557,401-15,557,402); deleting either gives the same sequence. VCF-style (leftmost placement, unchanged base first): chr4-15557400-TC-T. GRCh37 (hg19) VCF-style: chr4-15559023-TC-T.
Other names: c.2724del, p.Lys909fs (NM_001080522.2); c.2577del, p.Lys860fs (NM_001378617.1); short protein forms K860fs, K909fs.
Identifiers: ClinVar variation 5013464 (VCV005013464.1).